The following is an entry in ClinVar:

NM_000841.4(GRM4):c.2441A>T (p.Lys814Met)

Gene: GRM4 (glutamate metabotropic receptor 4; minus strand). Cytogenetic location: 6p21.31.
Variant type: single nucleotide variant.
Coding change: c.2441A>T on transcript NM_000841.4 (MANE Select); coding-DNA position 2441, A replaced by T.
Protein change: p.Lys814Met; replaces lysine 814 with methionine.
Molecular consequence: missense variant.
Genome position (GRCh38, 1-based): chr6:34,035,669, T>A on the plus strand (A>T on the coding strand, the complement: GRM4 is on the minus strand). VCF-style: chr6-34035669-T-A. GRCh37 (hg19) VCF-style: chr6-34003446-T-A.
Other names: c.2093A>T, p.Lys698Met (NM_001256809.3); c.2300A>T, p.Lys767Met (NM_001256811.3); c.1934A>T, p.Lys645Met (NM_001256812.2); c.2042A>T, p.Lys681Met (NM_001256813.3); c.1517A>T, p.Lys506Met (NM_001282847.2); short protein forms K645M, K681M, K698M, K506M, K767M, K814M.
Identifiers: ClinVar variation 2197446 (VCV002197446.1), dbSNP rs2127442501, ClinGen allele CA363707080.

ClinVar aggregate classification (germline): Uncertain significance (1 of 4 stars; one submission).

Submission:

Labcorp Genetics (formerly Invitae), Labcorp
Classification: Uncertain significance. Last evaluated: 2020-12-17. Review status: criteria provided, single submitter. Criteria: Invitae Variant Classification Sherloc (09022015). Collection method: clinical testing. Allele origin: germline.
Comment: This sequence change replaces lysine with methionine at codon 814 of the GRM4 protein (p.Lys814Met). The lysine residue is highly conserved and there is a moderate physicochemical difference between lysine and methionine. This variant is not present in population databases (ExAC no frequency). This variant has not been reported in the literature in individuals with GRM4-related disease. Algorithms developed to predict the effect of missense changes on protein structure and function (SIFT, PolyPhen-2, Align-GVGD) all suggest that this variant is likely to be disruptive, but these predictions have not been confirmed by published functional studies and their clinical significance is uncertain. In summary, the available evidence is currently insufficient to determine the role of this variant in disease. Therefore, it has been classified as a Variant of Uncertain Significance.